The following is an entry in ClinVar:

NM_004793.4(LONP1):c.1304T>C (p.Met435Thr)

Gene: LONP1 (lon peptidase 1, mitochondrial; minus strand). Cytogenetic location: 19p13.3.
Variant type: single nucleotide variant.
Coding change: c.1304T>C on transcript NM_004793.4 (MANE Select); coding-DNA position 1304, T replaced by C.
Protein change: p.Met435Thr; replaces methionine 435 with threonine.
Molecular consequence: missense variant. On other transcripts: non-coding transcript variant (1).
Genome position (GRCh38, 1-based): chr19:5,705,835, A>G on the plus strand (T>C on the coding strand, the complement: LONP1 is on the minus strand). VCF-style: chr19-5705835-A-G. GRCh37 (hg19) VCF-style: chr19-5705846-A-G.
Other names: c.1112T>C, p.Met371Thr (NM_001276479.2); c.716T>C, p.Met239Thr (NM_001276480.1); short protein forms M239T, M371T, M435T.
Identifiers: ClinVar variation 2989763 (VCV002989763.3), dbSNP rs2512409053, ClinGen allele CA403533340.
Genomic context (GRCh38, chr19:5,705,835, plus strand): 5'-AACTCCGAGGAGTGGTTGTCCAGCAGGCCCAGCTTGCTCAGCTCCTCGTCCACAACATCC[A>G]TGACGTGCTTGGGGACCACGAGCTCCTTCAGGCGCTCCCGGAACTTCTCCTCGATGGCAT-3'
Protein context (NP_004784.2, residues 425-445): LKELVVPKHV[Met435Thr]DVVDEELSKL

ClinVar aggregate classification (germline): Uncertain significance (1 of 4 stars; one submission).

Allele frequency attached by ClinVar (database versions not stated): gnomAD exomes below 0.00001.
gnomAD v4.1: 2 of 1,614,186 alleles (0.00012%); highest among the groups gnomAD compares: Non-Finnish European, 0.00017%; no homozygotes.

Submission:

Labcorp Genetics (formerly Invitae), Labcorp
Classification: Uncertain significance. Last evaluated: 2022-11-04. Review status: criteria provided, single submitter. Criteria: Invitae Variant Classification Sherloc (09022015). Collection method: clinical testing. Allele origin: germline.
Comment: In summary, the available evidence is currently insufficient to determine the role of this variant in disease. Therefore, it has been classified as a Variant of Uncertain Significance. Advanced modeling of protein sequence and biophysical properties (such as structural, functional, and spatial information, amino acid conservation, physicochemical variation, residue mobility, and thermodynamic stability) performed at Invitae indicates that this missense variant is not expected to disrupt LONP1 protein function. This variant has not been reported in the literature in individuals affected with LONP1-related conditions. This variant is not present in population databases (gnomAD no frequency). This sequence change replaces methionine, which is neutral and non-polar, with threonine, which is neutral and polar, at codon 435 of the LONP1 protein (p.Met435Thr).